The following is an entry in ClinVar:

ClinVar aggregate classification (germline): Likely benign (0 of 4 stars; one submission).

Conditions:
PLXNA3-related disorder. Also called: PLXNA3-related condition.

Allele frequency attached by ClinVar (database versions not stated): gnomAD exomes 0.00006; ExAC 0.00014; gnomAD 0.00033; TOPMed 0.00041; 1000 Genomes Project 30x 0.00042; ESP Exome Variant Server 0.00047; 1000 Genomes Project 0.00053.
gnomAD v4.1: 103 of 1,208,399 alleles (0.0085%); highest among the groups gnomAD compares: African/African-American, 0.14%; no homozygotes.

Submission:

PreventionGenetics, part of Exact Sciences
Classification: Likely benign for PLXNA3-related condition. Last evaluated: 2021-11-12. Review status: no assertion criteria provided. Collection method: clinical testing. Allele origin: germline.
Comment: This variant is classified as likely benign based on ACMG/AMP sequence variant interpretation guidelines (Richards et al. 2015 PMID: 25741868, with internal and published modifications).

NM_017514.5(PLXNA3):c.3246C>T (p.Pro1082=)

Gene: PLXNA3 (plexin A3; plus strand). Cytogenetic location: Xq28.
Variant type: single nucleotide variant.
Coding change: c.3246C>T on transcript NM_017514.5 (MANE Select); coding-DNA position 3246, C replaced by T.
Protein change: p.Pro1082=; no amino-acid change (proline 1082 retained).
Molecular consequence: synonymous variant.
Genome position (GRCh38, 1-based): chrX:154,467,276, C>T. VCF-style: chrX-154467276-C-T. GRCh37 (hg19) VCF-style: chrX-153695619-C-T.
Identifiers: ClinVar variation 3036966 (VCV003036966.2), dbSNP rs139270764, ClinGen allele CA10564594.